The following is an entry in ClinVar:

ClinVar aggregate classification (germline): Likely pathogenic (1 of 4 stars; one submission).

Conditions:
Dilated cardiomyopathy 1G (CMD1G). Identifiers: Orphanet 154, MedGen C1858763, MONDO:0011400, OMIM 604145.
Autosomal recessive limb-girdle muscular dystrophy type 2J (LGMDR10). Also called: Limb-girdle muscular dystrophy, type 2J; MUSCULAR DYSTROPHY, LIMB-GIRDLE, AUTOSOMAL RECESSIVE 10. Identifiers: Orphanet 140922, MedGen C1837342, MONDO:0012127, OMIM 608807.

Submission:

Labcorp Genetics (formerly Invitae), Labcorp
Classification: Likely pathogenic for Dilated cardiomyopathy 1G; Autosomal recessive limb-girdle muscular dystrophy type 2J. Last evaluated: 2021-02-19. Review status: criteria provided, single submitter. Criteria: Invitae Variant Classification Sherloc (09022015). Collection method: clinical testing. Allele origin: germline.
Comment: In summary, the currently available evidence indicates that the variant is pathogenic, but additional data are needed to prove that conclusively. Therefore, this variant has been classified as Likely Pathogenic. This variant has not been reported in the literature in individuals with TTN-related disease. This variant is located in the A band of TTN (PMID: 25589632). Truncating variants in this region are significantly overrepresented in patients affected with dilated cardiomyopathy (PMID: 25589632). Truncating variants in this region have also been reported in individuals affected with autosomal recessive centronuclear myopathy (PMID: 23975875). This variant is not present in population databases (ExAC no frequency). This sequence change results in a premature translational stop signal in the TTN gene (p.Asn25969Lysfs*12). While this is not anticipated to result in nonsense mediated decay, it is expected to create a truncated TTN protein.

Literature cited by the submitters: PubMed 25589632; PubMed 23975875.

NM_001267550.2(TTN):c.77906dup (p.Asn25969fs)

Genes: TTN-AS1 (TTN antisense RNA 1; plus strand), TTN (titin; minus strand). Cytogenetic location: 2q31.2.
Variant type: Duplication.
Coding change: c.77906dup on transcript NM_001267550.2 (MANE Select); coding-DNA position 77906, one base duplicated (A; older notation c.77906dupA).
Protein change: p.Asn25969fs; shifts the reading frame from asparagine 25969.
Molecular consequence: frameshift variant.
Genome position (GRCh38, 1-based): chr2:178,568,226, T duplicated on the plus strand (A on the coding strand, the reverse complement: TTN is on the minus strand); the first of 4 consecutive T bases (chr2:178,568,226-178,568,229); duplicating any one gives the same sequence. VCF-style (leftmost placement, unchanged base first): chr2-178568225-G-GT. GRCh37 (hg19) VCF-style: chr2-179432952-G-GT.
Other names: c.72983dup, p.Asn24328fs (NM_001256850.1); c.50711dup, p.Asn16904fs (NM_003319.4); c.70202dup, p.Asn23401fs (NM_133378.4); c.51086dup, p.Asn17029fs (NM_133432.3); c.51287dup, p.Asn17096fs (NM_133437.4); c.77906dupA (NM_001267550.2); short protein forms N17029fs, N24328fs, N25969fs, N16904fs, N17096fs, N23401fs.
Identifiers: ClinVar variation 580149 (VCV000580149.9), dbSNP rs1559368995, ClinGen allele CA891842711.